The following is an entry in ClinVar:

NM_000094.4(COL7A1):c.7256G>T (p.Gly2419Val)

Gene: COL7A1 (collagen type VII alpha 1 chain; minus strand). Cytogenetic location: 3p21.31.
Variant type: single nucleotide variant.
Coding change: c.7256G>T on transcript NM_000094.4 (MANE Select); coding-DNA position 7256, G replaced by T.
Protein change: p.Gly2419Val; replaces glycine 2419 with valine.
Molecular consequence: missense variant.
Genome position (GRCh38, 1-based): chr3:48,570,877, C>A on the plus strand (G>T on the coding strand, the complement: COL7A1 is on the minus strand). VCF-style: chr3-48570877-C-A. GRCh37 (hg19) VCF-style: chr3-48608310-C-A.
Other names: short protein forms G2419V.
Identifiers: ClinVar variation 2019649 (VCV002019649.4), dbSNP rs2530870857, ClinGen allele CA352649847.

ClinVar aggregate classification (germline): Uncertain significance (1 of 4 stars; one submission).

Submission:

Labcorp Genetics (formerly Invitae), Labcorp
Classification: Uncertain significance. Last evaluated: 2025-12-22. Review status: criteria provided, single submitter. Criteria: Invitae Variant Classification Sherloc (09022015). Collection method: clinical testing. Allele origin: germline.
Comment: This sequence change replaces glycine, which is neutral and non-polar, with valine, which is neutral and non-polar, at codon 2419 of the COL7A1 protein (p.Gly2419Val). This variant is not present in population databases (gnomAD no frequency). This variant has not been reported in the literature in individuals affected with COL7A1-related conditions. ClinVar contains an entry for this variant (Variation ID: 2019649). Invitae Evidence Modeling of protein sequence and biophysical properties (such as structural, functional, and spatial information, amino acid conservation, physicochemical variation, residue mobility, and thermodynamic stability) indicates that this missense variant is expected to disrupt COL7A1 protein function with a positive predictive value of 95%. This variant disrupts the triple helix domain of COL7A1. Glycine residues within the Gly-Xaa-Yaa repeats of the triple helix domain are required for the structure and stability of fibrillar collagens (PMID: 7695699, 8218237, 19344236), and variants at these glycine residues in COL7A1 are more frequently observed in individuals with disease than in the general population (PMID: 22058051). However, the clinical significance of this observation remains uncertain since only a limited number of affected individuals have been described to date. In summary, the available evidence is currently insufficient to determine the role of this variant in disease. Therefore, it has been classified as a Variant of Uncertain Significance.

Literature cited by the submitters: PubMed 7695699; PubMed 8218237; PubMed 19344236; PubMed 22058051.